The following is an entry in ClinVar:

ClinVar aggregate classification (germline): Pathogenic. Review status: criteria provided, multiple submitters, no conflicts (2 of 4 stars). 2 submissions from 2 submitters: Pathogenic (2). Last evaluated 2024-04-30.

Conditions:
Neurofibromatosis, type 1 (NF1). Also called: Peripheral type neurofibromatosis; NEUROFIBROMATOSIS, TYPE I, SOMATIC; VON RECKLINGHAUSEN DISEASE; Neurofibromatosis, type I. Identifiers: Orphanet 636, MedGen C0027831, MONDO:0018975, OMIM 162200. Disease mechanism: loss of function.

Submissions (2):

Women's Health and Genetics/Laboratory Corporation of America, LabCorp
Classification: Pathogenic for Neurofibromatosis, type 1. Last evaluated: 2024-04-30. Review status: criteria provided, single submitter. Criteria: LabCorp Variant Classification Summary - May 2015. Collection method: clinical testing. Allele origin: germline.
Comment: Variant summary: NF1 c.6919_6920delGT (p.Val2307GlnfsX11) results in a premature termination codon, predicted to cause absence of the protein due to nonsense mediated decay, which is a commonly known mechanism for disease. The variant was absent in 251472 control chromosomes. To our knowledge, no occurrence of c.6919_6920delGT in individuals affected with Neurofibromatosis Type 1 and no experimental evidence demonstrating its impact on protein function have been reported. ClinVar contains an entry for this variant (Variation ID: 2104132). Based on the evidence outlined above, the variant was classified as pathogenic.

Labcorp Genetics (formerly Invitae), Labcorp
Classification: Pathogenic for Neurofibromatosis, type 1. Last evaluated: 2022-02-27. Review status: criteria provided, single submitter. Criteria: Invitae Variant Classification Sherloc (09022015). Collection method: clinical testing. Allele origin: germline.
Comment: For these reasons, this variant has been classified as Pathogenic. This variant has not been reported in the literature in individuals affected with NF1-related conditions. This variant is not present in population databases (gnomAD no frequency). This sequence change creates a premature translational stop signal (p.Val2307Glnfs*11) in the NF1 gene. It is expected to result in an absent or disrupted protein product. Loss-of-function variants in NF1 are known to be pathogenic (PMID: 10712197, 23913538).

Literature cited by the submitters: PubMed 10712197 (cited by Labcorp Genetics (formerly Invitae), Labcorp); PubMed 23913538 (cited by Labcorp Genetics (formerly Invitae), Labcorp).

NM_001042492.3(NF1):c.6982_6983del (p.Val2328fs)

Gene: NF1 (neurofibromin 1; plus strand). Cytogenetic location: 17q11.2.
Variant type: Deletion.
Coding change: c.6982_6983del on transcript NM_001042492.3 (MANE Select); coding-DNA positions 6982 to 6983, 2 bases deleted (GT; older notation c.6982_6983delGT).
Protein change: p.Val2328fs; shifts the reading frame from valine 2328.
Molecular consequence: frameshift variant.
Genome position (GRCh38, 1-based): chr17:31,340,565-31,340,566, GT deleted. VCF-style (leftmost placement, unchanged base first): chr17-31340564-GGT-G. GRCh37 (hg19) VCF-style: chr17-29667582-GGT-G.
Other names: c.6919_6920delGT (NM_000267.3); c.6919_6920delGT, p.Val2307Glnfs (NM_000267.4); short protein forms V2307fs, V2328fs.
Identifiers: ClinVar variation 2104132 (VCV002104132.5), dbSNP rs2508770270, ClinGen allele CA2580093187.